The following is an entry in ClinVar:

NM_002460.4(IRF4):c.1304_1306del (p.Ser435del)

Gene: IRF4 (interferon regulatory factor 4; plus strand). Cytogenetic location: 6p25.3.
Variant type: Deletion.
Coding change: c.1304_1306del on transcript NM_002460.4 (MANE Select); coding-DNA positions 1304 to 1306, 3 bases deleted (GCA; older notation c.1304_1306delGCA).
Protein change: p.Ser435del; deletes serine 435.
Molecular consequence: inframe deletion. On other transcripts: non-coding transcript variant (1).
Genome position (GRCh38, 1-based): chr6:407,546-407,548, GCA deleted; deleting any 3 consecutive bases within chr6:407,544-407,548 gives the same sequence; the c. name uses the placement nearest the transcript's 3' end. VCF-style (leftmost placement, unchanged base first): chr6-407543-TCAG-T. GRCh37 (hg19) VCF-style: chr6-407543-TCAG-T.
Other names: c.1301_1303del, p.Ser434del (NM_001195286.2); short protein forms S435del, S434del.
Identifiers: ClinVar variation 2790224 (VCV002790224.3), dbSNP rs766230745, ClinGen allele CA3612942.
Genomic context (GRCh38, chr6:407,543, plus strand): 5'-ATTATTTTGCTCAACAAAACAGTGGACATTTCCTGAGGGGCTACGATTTACCAGAACACA[TCAG>T]CAATCCAGAAGATTACCACAGATCTATCCGCCATTCCTCTATTCAAGAATGAAAAATGTC-3'

ClinVar aggregate classification (germline): Uncertain significance (1 of 4 stars; one submission).

Submission:

Labcorp Genetics (formerly Invitae), Labcorp
Classification: Uncertain significance. Last evaluated: 2024-04-29. Review status: criteria provided, single submitter. Criteria: Invitae Variant Classification Sherloc (09022015). Collection method: clinical testing. Allele origin: germline.
Comment: This variant, c.1304_1306del, results in the deletion of 1 amino acid(s) of the IRF4 protein (p.Ser435del), but otherwise preserves the integrity of the reading frame. This variant is present in population databases (rs766230745, gnomAD 0.004%). This variant has not been reported in the literature in individuals affected with IRF4-related conditions. In summary, the available evidence is currently insufficient to determine the role of this variant in disease. Therefore, it has been classified as a Variant of Uncertain Significance.